The following is an entry in ClinVar:

NM_001887.4(CRYBB1):c.576-637_587del

Genes: CRYBA4 (crystallin beta A4; plus strand), CRYBB1 (crystallin beta B1; minus strand). Cytogenetic location: 22q12.1.
Variant type: Deletion.
Coding change: c.576-637_587del on transcript NM_001887.4 (MANE Select); 637 bases into the intron before coding-DNA position 576 through coding-DNA position 587, 649 bases deleted.
Molecular consequence: splice acceptor variant.
Genome position (GRCh38, 1-based): chr22:26,599,662-26,600,310, 649 bases deleted. GRCh37 (hg19): chr22:26,995,626-26,996,274.
Identifiers: ClinVar variation 4796486 (VCV004796486.1).

ClinVar aggregate classification (germline): Pathogenic (1 of 4 stars; one submission).

Conditions:
Early-onset non-syndromic cataract. Also called: NUCLEAR SCLEROSIS OF THE LENS; Age-related nuclear cataract. Identifiers: Orphanet 91492, MedGen C1832423, MONDO:0011060, OMIM 601371, HP:0011142.

Submission:

Genetics Department, University Hospital of Toulouse
Classification: Pathogenic for Early-onset non-syndromic cataract. Last evaluated: 2025-10-05. Review status: criteria provided, single submitter. Criteria: ACMG Guidelines, 2015. Collection method: clinical testing. Allele origin: paternal. Affected: yes. Observed: 2 variant alleles.